The following is an entry in ClinVar:

NM_001122764.3(PPOX):c.1160A>G (p.Glu387Gly)

Gene: PPOX (protoporphyrinogen oxidase; plus strand). Cytogenetic location: 1q23.3.
Variant type: single nucleotide variant.
Coding change: c.1160A>G on transcript NM_001122764.3 (MANE Select); coding-DNA position 1160, A replaced by G.
Protein change: p.Glu387Gly; replaces glutamic acid 387 with glycine.
Molecular consequence: missense variant.
Genome position (GRCh38, 1-based): chr1:161,170,681, A>G. VCF-style: chr1-161170681-A-G. GRCh37 (hg19) VCF-style: chr1-161140471-A-G.
Other names: c.1160A>G, p.Glu387Gly (NM_000309.5, NM_001365398.1); c.1061A>G, p.Glu354Gly (NM_001350128.2); c.752A>G, p.Glu251Gly (NM_001350129.2, NM_001365400.1); c.674A>G, p.Glu225Gly (NM_001350130.2, NM_001350131.2, NM_001365401.1); c.1049A>G, p.Glu350Gly (NM_001365399.1); short protein forms E251G, E387G, E350G, E354G, E225G.
Identifiers: ClinVar variation 2751657 (VCV002751657.3), dbSNP rs2525350239, ClinGen allele CA343357979.

ClinVar aggregate classification (germline): Uncertain significance (1 of 4 stars; one submission).

Submission:

Labcorp Genetics (formerly Invitae), Labcorp
Classification: Uncertain significance. Last evaluated: 2023-08-10. Review status: criteria provided, single submitter. Criteria: Invitae Variant Classification Sherloc (09022015). Collection method: clinical testing. Allele origin: germline.
Comment: In summary, the available evidence is currently insufficient to determine the role of this variant in disease. Therefore, it has been classified as a Variant of Uncertain Significance. Advanced modeling of protein sequence and biophysical properties (such as structural, functional, and spatial information, amino acid conservation, physicochemical variation, residue mobility, and thermodynamic stability) performed at Invitae indicates that this missense variant is not expected to disrupt PPOX protein function. This variant has not been reported in the literature in individuals affected with PPOX-related conditions. This variant is not present in population databases (gnomAD no frequency). This sequence change replaces glutamic acid, which is acidic and polar, with glycine, which is neutral and non-polar, at codon 387 of the PPOX protein (p.Glu387Gly).